The following is an entry in ClinVar:

NM_001098204.2(HNRNPF):c.635G>C (p.Arg212Pro)

Gene: HNRNPF (heterogeneous nuclear ribonucleoprotein F; minus strand). Cytogenetic location: 10q11.21.
Variant type: single nucleotide variant.
Coding change: c.635G>C on transcript NM_001098204.2 (MANE Select); coding-DNA position 635, G replaced by C.
Protein change: p.Arg212Pro; replaces arginine 212 with proline.
Molecular consequence: missense variant.
Genome position (GRCh38, 1-based): chr10:43,387,250, C>G on the plus strand (G>C on the coding strand, the complement: HNRNPF is on the minus strand). VCF-style: chr10-43387250-C-G. GRCh37 (hg19) VCF-style: chr10-43882698-C-G.
Other names: c.635G>C, p.Arg212Pro (NM_001098205.2, NM_001098206.2, NM_001098207.2 and 2 more transcripts); short protein forms R212P.
Identifiers: ClinVar variation 1703094 (VCV001703094.3), dbSNP rs2131958270, ClinGen allele CA376573964.

ClinVar aggregate classification (germline): Uncertain significance (1 of 4 stars; one submission).

Submission:

Greenwood Genetic Center Diagnostic Laboratories, Greenwood Genetic Center
Classification: Uncertain significance. Last evaluated: 2022-06-07. Review status: criteria provided, single submitter. Criteria: ACMG Guidelines, 2015. Collection method: clinical testing. Allele origin: germline. Affected: yes.
Comment: Gene of Uncertain Significance